The following is an entry in ClinVar:

ClinVar aggregate classification (germline): Pathogenic (1 of 4 stars; one submission).

Allele frequency attached by ClinVar (database versions not stated): TOPMed below 0.00001.

Submission:

GeneDx
Classification: Pathogenic. Last evaluated: 2023-09-16. Review status: criteria provided, single submitter. Criteria: GeneDx Variant Classification Process June 2021. Collection method: clinical testing. Allele origin: germline. Affected: yes.
Comment: Nonsense variant predicted to result in protein truncation or nonsense mediated decay in a gene for which loss of function is a known mechanism of disease; Not observed at significant frequency in large population cohorts (gnomAD); Has not been previously published as pathogenic or benign to our knowledge

NM_014712.3(SETD1A):c.3706C>T (p.Arg1236Ter)

Gene: SETD1A (SET domain containing 1A, histone lysine methyltransferase; plus strand). Cytogenetic location: 16p11.2.
Variant type: single nucleotide variant.
Coding change: c.3706C>T on transcript NM_014712.3 (MANE Select); coding-DNA position 3706, C replaced by T.
Protein change: p.Arg1236Ter; replaces arginine 1236 with a stop codon.
Molecular consequence: nonsense.
Genome position (GRCh38, 1-based): chr16:30,979,492, C>T. VCF-style: chr16-30979492-C-T. GRCh37 (hg19) VCF-style: chr16-30990813-C-T.
Other names: short protein forms R1236*.
Identifiers: ClinVar variation 2580113 (VCV002580113.1), dbSNP rs903350409, ClinGen allele CA280552457.